The following is an entry in ClinVar:

ClinVar aggregate classification (germline): Conflicting classifications of pathogenicity. Review status: criteria provided, conflicting classifications (1 of 4 stars). 2 submissions from 2 submitters: Pathogenic (1); Uncertain significance (1). Last evaluated 2025-06-09.

Conditions:
Hereditary cancer-predisposing syndrome. Also called: Neoplastic Syndromes, Hereditary; Tumor predisposition; Hereditary neoplastic syndrome; Hereditary Cancer Syndrome. Identifiers: Orphanet 140162, MedGen C0027672, MeSH D009386, MONDO:0015356.

Submissions (2):

Ambry Genetics
Classification: Uncertain significance for Hereditary cancer-predisposing syndrome. Last evaluated: 2025-06-09. Review status: criteria provided, single submitter. Criteria: Ambry Variant Classification Scheme 2023. Collection method: clinical testing. Allele origin: germline.
Comment: The p.Q2071* variant (also known as c.6211C>T), located in coding exon 45 of the POLE gene, results from a C to T substitution at nucleotide position 6211. This changes the amino acid from a glutamine to a stop codon within coding exon 45. This alteration is expected to result in loss of function by premature protein truncation or nonsense-mediated mRNA decay. Although biallelic loss of function of POLE has been associated with autosomal recessive POLE deficiency, haploinsufficiency of POLE has not been established as a mechanism of disease for POLE-related polymerase proofreading-associated polyposis (PPAP) and POLE-related CMMRD-like syndrome. Based on the supporting evidence, this variant is expected to be causative of POLE deficiency when present along with a second pathogenic variant on the other allele; however, its clinical significance for PPAP and POLE-related CMMRD-like syndrome is unclear.

Labcorp Genetics (formerly Invitae), Labcorp
Classification: Pathogenic. Last evaluated: 2022-05-18. Review status: criteria provided, single submitter. Criteria: Invitae Variant Classification Sherloc (09022015). Collection method: clinical testing. Allele origin: germline.
Comment: For these reasons, this variant has been classified as Pathogenic. ClinVar contains an entry for this variant (Variation ID: 826250). This variant has not been reported in the literature in individuals affected with POLE-related conditions. This variant is not present in population databases (gnomAD no frequency). This sequence change creates a premature translational stop signal (p.Gln2071*) in the POLE gene. It is expected to result in an absent or disrupted protein product. Loss-of-function variants in POLE are known to be pathogenic (PMID: 23230001, 25948378, 30503519).

Literature cited by the submitters: PubMed 23230001 (cited by Labcorp Genetics (formerly Invitae), Labcorp); PubMed 25948378 (cited by Labcorp Genetics (formerly Invitae), Labcorp); PubMed 30503519 (cited by Labcorp Genetics (formerly Invitae), Labcorp).

NM_006231.4(POLE):c.6211C>T (p.Gln2071Ter)

Gene: POLE (DNA polymerase epsilon, catalytic subunit; minus strand). Cytogenetic location: 12q24.33.
Variant type: single nucleotide variant.
Coding change: c.6211C>T on transcript NM_006231.4 (MANE Select); coding-DNA position 6211, C replaced by T.
Protein change: p.Gln2071Ter; replaces glutamine 2071 with a stop codon.
Molecular consequence: nonsense.
Genome position (GRCh38, 1-based): chr12:132,632,434, G>A on the plus strand (C>T on the coding strand, the complement: POLE is on the minus strand). VCF-style: chr12-132632434-G-A. GRCh37 (hg19) VCF-style: chr12-133209020-G-A.
Other names: short protein forms Q2071*.
Identifiers: ClinVar variation 826250 (VCV000826250.10), dbSNP rs775527406, ClinGen allele CA387369697.